The following is an entry in ClinVar:

NM_000051.4(ATM):c.5798G>A (p.Trp1933Ter)

Genes: ATM (ATM serine/threonine kinase; plus strand), C11orf65 (chromosome 11 open reading frame 65; minus strand). Cytogenetic location: 11q22.3.
Variant type: single nucleotide variant.
Coding change: c.5798G>A on transcript NM_000051.4 (MANE Select); coding-DNA position 5798, G replaced by A.
Protein change: p.Trp1933Ter; replaces tryptophan 1933 with a stop codon.
Molecular consequence: nonsense. On other transcripts: intron variant (2).
Genome position (GRCh38, 1-based): chr11:108,310,195, G>A. VCF-style: chr11-108310195-G-A. GRCh37 (hg19) VCF-style: chr11-108180922-G-A.
Other names: c.5798G>A, p.Trp1933Ter (NM_001351834.2); c.641-1124C>T (NM_001330368.2); c.*39-1124C>T (NM_001351110.2); short protein forms W1933*.
Identifiers: ClinVar variation 230743 (VCV000230743.28), dbSNP rs876658740, ClinGen allele CA10579198.

ClinVar aggregate classification (germline): Pathogenic/Likely pathogenic. Review status: criteria provided, multiple submitters, no conflicts (2 of 4 stars). 10 submissions from 10 submitters: Pathogenic (7); Likely pathogenic (2). 1 of the submissions does not count toward it. Last evaluated 2025-12-16.

Conditions:
Hereditary cancer-predisposing syndrome. Also called: Neoplastic Syndromes, Hereditary; Hereditary neoplastic syndrome; Tumor predisposition; Hereditary Cancer Syndrome. Identifiers: Orphanet 140162, MedGen C0027672, MeSH D009386, MONDO:0015356.
Familial cancer of breast. Also called: hereditary breast carcinoma; Hereditary breast cancer; BREAST CANCER, FAMILIAL. Identifiers: Orphanet 227535, MedGen C0346153, MONDO:0016419, OMIM 114480. Disease mechanism: loss of function.
Ataxia-telangiectasia syndrome (AT). Also called: Ataxia telangiectasia (A-T); Cerebello-oculocutaneous telangiectasia; Immunodeficiency with ataxia telangiectasia; LOUIS-BAR SYNDROME; AT, COMPLEMENTATION GROUP C; ATAXIA-TELANGIECTASIA, FRESNO VARIANT. Identifiers: Orphanet 100, MedGen C0004135, MONDO:0008840, OMIM 208900.
Malignant tumor of breast. Also called: Malignant breast neoplasm; Cancer breast. Identifiers: MedGen C0006142, MONDO:0007254. Disease mechanism: loss of function.

Allele frequency attached by ClinVar (database versions not stated): gnomAD 0.00001; TOPMed 0.00001; gnomAD exomes below 0.00001.
gnomAD v4.1: 4 of 1,613,318 alleles (0.00025%); highest among the groups gnomAD compares: African/African-American, 0.0053%; no homozygotes.

Submissions (10):

Labcorp Genetics (formerly Invitae), Labcorp
Classification: Pathogenic for Ataxia-telangiectasia syndrome. Last evaluated: 2025-12-16. Review status: criteria provided, single submitter. Criteria: Invitae Variant Classification Sherloc (09022015). Collection method: clinical testing. Allele origin: germline.
Comment: This sequence change creates a premature translational stop signal (p.Trp1933*) in the ATM gene. It is expected to result in an absent or disrupted protein product. Loss-of-function variants in ATM are known to be pathogenic (PMID: 23807571, 25614872). This variant is not present in population databases (gnomAD no frequency). This variant has not been reported in the literature in individuals affected with ATM-related conditions. ClinVar contains an entry for this variant (Variation ID: 230743). RNA analysis performed to evaluate the impact of this premature translational stop signal on mRNA splicing indicates it does not significantly alter splicing (internal data). For these reasons, this variant has been classified as Pathogenic.

Women's Health and Genetics/Laboratory Corporation of America, LabCorp
Classification: Pathogenic for Malignant tumor of breast. Last evaluated: 2025-09-08. Review status: criteria provided, single submitter. Criteria: LabCorp Variant Classification Summary - May 2015. Collection method: clinical testing. Allele origin: germline.
Comment: Variant summary: ATM c.5798G>A (p.Trp1933X) results in a premature termination codon, predicted to cause a truncation of the encoded protein or absence of the protein due to nonsense mediated decay, which are commonly known mechanisms for disease. The variant was absent in 251036 control chromosomes (gnomAD). c.5798G>A has been observed in individuals affected with breast Cancer or ovarian cancer (Lilyquist_2017Palmer_2020). These data indicate that the variant may be associated with disease. To our knowledge, no experimental evidence demonstrating an impact on protein function has been reported. The following publications have been ascertained in the context of this evaluation (PMID: 28888541, 32427313). ClinVar contains an entry for this variant (Variation ID: 230743). Based on the evidence outlined above, the variant was classified as pathogenic.

Natera, Inc.
Classification: Likely pathogenic for Ataxia-telangiectasia. Last evaluated: 2025-06-23. Review status: criteria provided, single submitter. Criteria: Natera Variant Classification Schema (03/2026). Collection method: clinical testing. Allele origin: germline.
Comment: The c.5798G>A variant in ATM is a nonsense variant predicted to introduce a stop codon at amino acid 1933. This variant is expected to result in nonsense mediated decay, truncation, or a dysfunctional protein product. This variant is rare in the general population with a frequency below the threshold expected for the associated phenotype(s). Given the available evidence, this variant is classified as Likely Pathogenic.

Center for Genomic Medicine, Rigshospitalet, Copenhagen University Hospital
Classification: Pathogenic. Last evaluated: 2025-03-04. Review status: criteria provided, single submitter. Criteria: ACMG Guidelines, 2015. Collection method: clinical testing. Allele origin: germline.

Myriad Genetics, Inc.
Classification: Pathogenic for Familial cancer of breast. Last evaluated: 2024-01-26. Review status: criteria provided, single submitter. Criteria: Myriad Autosomal Dominant, Autosomal Recessive and X-Linked Classification Criteria (2023). Collection method: clinical testing. Allele origin: unknown.
Comment: This variant is considered pathogenic. This variant creates a termination codon and is predicted to result in premature protein truncation.

Baylor Genetics
Classification: Likely pathogenic for Familial cancer of breast. Last evaluated: 2023-11-05. Review status: criteria provided, single submitter. Criteria: ACMG Guidelines, 2015. Collection method: clinical testing. Allele origin: unknown.

GeneDx
Classification: Pathogenic. Last evaluated: 2023-10-18. Review status: criteria provided, single submitter. Criteria: GeneDx Variant Classification Process June 2021. Collection method: clinical testing. Allele origin: germline. Affected: yes.
Comment: Nonsense variant predicted to result in protein truncation or nonsense mediated decay in a gene for which loss of function is a known mechanism of disease; Not observed at significant frequency in large population cohorts (gnomAD); Truncating variants in this gene are considered pathogenic by a well-established clinical consortium and/or database; Observed in individuals with breast or ovarian cancer (Lilyquist et al., 2017; Meiss et al., 2018; Palmer et al., 2020); This variant is associated with the following publications: (PMID: 29958926, 32427313, 28888541)

Quest Diagnostics Nichols Institute San Juan Capistrano
Classification: Pathogenic. Last evaluated: 2023-07-07. Review status: criteria provided, single submitter. Criteria: Quest Diagnostics criteria. Collection method: clinical testing. Allele origin: unknown.
Comment: The ATM c.5798G>A (p.Trp1933*) variant causes the premature termination of ATM protein synthesis. This variant has been reported in the published literature in individuals with ovarian cancer (PMID: 28888541 (2017)), and breast cancer (PMID: 29958926 (2018), 32427313 (2020)). This variant has also been reported in an unaffected individual (PMID: 32427313 (2020)). The frequency of this variant in the general population, 0.000013 (2/152042 chromosomes (Genome Aggregation Database)), is consistent with pathogenicity. Based on the available information, this variant is classified as pathogenic.

Ambry Genetics
Classification: Pathogenic for Hereditary cancer-predisposing syndrome. Last evaluated: 2023-06-28. Review status: criteria provided, single submitter. Criteria: Ambry Variant Classification Scheme 2023. Collection method: clinical testing. Allele origin: germline.
Comment: The p.W1933* pathogenic mutation (also known as c.5798G>A), located in coding exon 38 of the ATM gene, results from a G to A substitution at nucleotide position 5798. This changes the amino acid from a tryptophan to a stop codon within coding exon 38. This mutation has been reported in an individual with a personal and family history of breast cancer (Meiss AE et al. Hum. Pathol., 2018 12;82:20-31). In addition to the clinical data presented in the literature, this alteration is expected to result in loss of function by premature protein truncation or nonsense-mediated mRNA decay. As such, this alteration is interpreted as a disease-causing mutation.

Counsyl
Classification: Likely pathogenic for Ataxia-telangiectasia syndrome. Last evaluated: 2016-08-24. Review status: no assertion criteria provided. Collection method: clinical testing. Allele origin: unknown. Not counted in ClinVar's aggregate classification.

Literature cited by the submitters: PubMed 23807571 (cited by Labcorp Genetics (formerly Invitae), Labcorp); PubMed 25614872 (cited by Labcorp Genetics (formerly Invitae), Labcorp); PubMed 28888541 (cited by Women's Health and Genetics/Laboratory Corporation of America, LabCorp and Quest Diagnostics Nichols Institute San Juan Capistrano); PubMed 32427313 (cited by Women's Health and Genetics/Laboratory Corporation of America, LabCorp and Quest Diagnostics Nichols Institute San Juan Capistrano); PubMed 29958926 (cited by 3 submitters).